The following is an entry in ClinVar:

NM_032776.3(JMJD1C):c.6948G>A (p.Leu2316=)

Gene: JMJD1C (jumonji domain containing 1C; minus strand). Cytogenetic location: 10q21.3.
Variant type: single nucleotide variant.
Coding change: c.6948G>A on transcript NM_032776.3 (MANE Select); coding-DNA position 6948, G replaced by A.
Protein change: p.Leu2316=; no amino-acid change (leucine 2316 retained).
Molecular consequence: synonymous variant. On other transcripts: non-coding transcript variant (1).
Genome position (GRCh38, 1-based): chr10:63,184,621, C>T on the plus strand (G>A on the coding strand, the complement: JMJD1C is on the minus strand). VCF-style: chr10-63184621-C-T. GRCh37 (hg19) VCF-style: chr10-64944381-C-T.
Other names: c.6402G>A, p.Leu2134= (NM_001282948.2, NM_001318154.2); c.6084G>A, p.Leu2028= (NM_001318153.2); c.6834G>A, p.Leu2278= (NM_001322252.2); c.6291G>A, p.Leu2097= (NM_001322254.2, NM_001322258.2).
Identifiers: ClinVar variation 460274 (VCV000460274.16), dbSNP rs79059103, ClinGen allele CA5517759.
Genomic context (GRCh38, chr10:63,184,621, plus strand): 5'-AAATCCAATATAATTCCTACATGGGAGAAATGTGAATATATACCTACCATAGGCACTGCA[C>T]AACCTGGGTCCTAGATCAGGACGTACAAAAAATCCTGGCAAATGAGAGGCCAAATTGAAT-3'
Protein context (NP_116165.1, residues 2306-2326): FFVRPDLGPR[Leu2316=]CSAYGVVAAK

ClinVar aggregate classification (germline): Benign. Review status: criteria provided, multiple submitters, no conflicts (2 of 4 stars). 3 submissions from 3 submitters: Benign (2). 1 of the submissions does not count toward it. Last evaluated 2026-01-15.

Conditions:
JMJD1C-related disorder. Also called: JMJD1C-related condition.
Early Myoclonic Encephalopathy. Identifiers: MedGen C0270855.

Allele frequency attached by ClinVar (database versions not stated): gnomAD exomes 0.00029 and 0.00069; ExAC 0.00089; gnomAD 0.00267 and 0.00279; ESP Exome Variant Server 0.00279; TOPMed 0.00300; 1000 Genomes Project 30x 0.00547; 1000 Genomes Project 0.00559.
gnomAD v4.1: 860 of 1,608,164 alleles (0.053%); highest among the groups gnomAD compares: African/African-American, 0.99%; 7 homozygotes.

Submissions (5):

Labcorp Genetics (formerly Invitae), Labcorp
Classification: Benign for Early Myoclonic Encephalopathy. Last evaluated: 2026-01-15. Review status: criteria provided, single submitter. Criteria: Invitae Variant Classification Sherloc (09022015). Collection method: clinical testing. Allele origin: germline.

Breakthrough Genomics
Classification: Benign. Review status: criteria provided, single submitter. Criteria: ACMG Guidelines, 2015. Collection method: not provided. Allele origin: germline. Inheritance: Unknown mechanism. Affected: yes.

PreventionGenetics, part of Exact Sciences
Classification: Benign for JMJD1C-related condition. Last evaluated: 2019-06-17. Review status: no assertion criteria provided. Collection method: clinical testing. Allele origin: germline. Not counted in ClinVar's aggregate classification.
Comment: This variant is classified as benign based on ACMG/AMP sequence variant interpretation guidelines (Richards et al. 2015 PMID: 25741868, with internal and published modifications).

Dr. Peter K. Rogan Lab, Western University
No classification provided (evidence only). Condition: Cervical cancer. Review status: no classification provided. Collection method: in vitro. Allele origin: not applicable. Functional consequence: retained intron. Not counted in ClinVar's aggregate classification.

Dr. Peter K. Rogan Lab, Western University
No classification provided (evidence only). Condition: Cervical cancer. Review status: no classification provided. Collection method: in vitro. Allele origin: not applicable. Functional consequence: retained intron. Not counted in ClinVar's aggregate classification.